The following is an entry in ClinVar:

ClinVar aggregate classification (germline): Uncertain significance (1 of 4 stars; one submission).

Allele frequency attached by ClinVar (database versions not stated): gnomAD exomes 0.00004; ESP Exome Variant Server 0.00008; ExAC 0.00011; gnomAD 0.00032; TOPMed 0.00058; 1000 Genomes Project 0.00120; 1000 Genomes Project 30x 0.00125.
gnomAD v4.1: 120 of 1,614,176 alleles (0.0074%); highest among the groups gnomAD compares: Admixed American, 0.1%; 2 homozygotes.

Submission:

Labcorp Genetics (formerly Invitae), Labcorp
Classification: Uncertain significance. Last evaluated: 2025-12-21. Review status: criteria provided, single submitter. Criteria: Invitae Variant Classification Sherloc (09022015). Collection method: clinical testing. Allele origin: germline.
Comment: This sequence change replaces arginine, which is basic and polar, with glutamine, which is neutral and polar, at codon 389 of the POLD2 protein (p.Arg389Gln). This variant is present in population databases (rs141051604, gnomAD 0.03%). This variant has not been reported in the literature in individuals affected with POLD2-related conditions. ClinVar contains an entry for this variant (Variation ID: 2057783). Experimental studies and prediction algorithms are not available or were not evaluated, and the functional significance of this variant is currently unknown. In summary, the available evidence is currently insufficient to determine the role of this variant in disease. Therefore, it has been classified as a Variant of Uncertain Significance.

NM_006230.4(POLD2):c.1061G>A (p.Arg354Gln)

Gene: POLD2 (DNA polymerase delta 2, accessory subunit; minus strand). Cytogenetic location: 7p13.
Variant type: single nucleotide variant.
Coding change: c.1061G>A on transcript NM_006230.4 (MANE Select); coding-DNA position 1061, G replaced by A.
Protein change: p.Arg354Gln; replaces arginine 354 with glutamine.
Molecular consequence: missense variant.
Genome position (GRCh38, 1-based): chr7:44,115,852, C>T on the plus strand (G>A on the coding strand, the complement: POLD2 is on the minus strand). VCF-style: chr7-44115852-C-T. GRCh37 (hg19) VCF-style: chr7-44155451-C-T.
Other names: c.1061G>A, p.Arg354Gln (NM_001127218.3, NM_001256879.2); short protein forms R354Q.
Identifiers: ClinVar variation 2057783 (VCV002057783.4), dbSNP rs141051604, ClinGen allele CA4238646.